The following is an entry in ClinVar:

ClinVar aggregate classification (germline): Uncertain significance. Review status: criteria provided, multiple submitters, no conflicts (2 of 4 stars). 2 submissions from 2 submitters: Uncertain significance (2). Last evaluated 2022-08-25.

Conditions:
Developmental and epileptic encephalopathy, 30 (DEE30). Also called: Epileptic encephalopathy, early infantile, 30. Identifiers: MedGen C4225360, MONDO:0014595, OMIM 616341.

Allele frequency attached by ClinVar (database versions not stated): ExAC 0.00001; gnomAD exomes 0.00001; TOPMed 0.00002; ESP Exome Variant Server 0.00008; gnomAD 0.00010.

Submissions (2):

Revvity Omics, Revvity
Classification: Uncertain significance for Developmental and epileptic encephalopathy, 30. Last evaluated: 2022-08-25. Review status: criteria provided, single submitter. Criteria: ACMG Guidelines, 2015. Collection method: clinical testing. Allele origin: germline.

Labcorp Genetics (formerly Invitae), Labcorp
Classification: Uncertain significance for Developmental and epileptic encephalopathy, 30. Last evaluated: 2017-04-01. Review status: criteria provided, single submitter. Criteria: Invitae Variant Classification Sherloc (09022015). Collection method: clinical testing. Allele origin: germline.
Comment: This sequence change replaces proline with leucine at codon 535 of the SIK1 protein (p.Pro535Leu). The proline residue is moderately conserved and there is a moderate physicochemical difference between proline and leucine. In summary, this variant is a rare missense change with uncertain impact on protein function. There is no indication that it causes disease, but the available evidence is currently insufficient to prove that conclusively. Therefore, it has been classified as a Variant of Uncertain Significance. Algorithms developed to predict the effect of missense changes on protein structure and function do not agree on the potential impact of this missense change (SIFT: "Tolerated"; PolyPhen-2: "Probably Damaging"; Align-GVGD: "Class C0"). This variant is present in population databases (rs373576665, ExAC 0.002%) but has not been reported in the literature in individuals with a SIK1-related disease.

NM_173354.5(SIK1):c.1604C>T (p.Pro535Leu)

Gene: SIK1 (salt inducible kinase 1; minus strand). Cytogenetic location: 21q22.3.
Variant type: single nucleotide variant.
Coding change: c.1604C>T on transcript NM_173354.5 (MANE Select); coding-DNA position 1604, C replaced by T.
Protein change: p.Pro535Leu; replaces proline 535 with leucine.
Molecular consequence: missense variant.
Genome position (GRCh38, 1-based): chr21:43,418,400, G>A on the plus strand (C>T on the coding strand, the complement: SIK1 is on the minus strand). VCF-style: chr21-43418400-G-A. GRCh37 (hg19) VCF-style: chr21-44838280-G-A.
Other names: short protein forms P535L.
Identifiers: ClinVar variation 476090 (VCV000476090.11), dbSNP rs373576665, ClinGen allele CA321325411.